The following is an entry in ClinVar:

NM_182895.5(SCARF2):c.1114T>C (p.Cys372Arg)

Gene: SCARF2 (scavenger receptor class F member 2; minus strand). Cytogenetic location: 22q11.21.
Variant type: single nucleotide variant.
Coding change: c.1114T>C on transcript NM_182895.5 (MANE Select); coding-DNA position 1114, T replaced by C.
Protein change: p.Cys372Arg; replaces cysteine 372 with arginine.
Molecular consequence: missense variant.
Genome position (GRCh38, 1-based): chr22:20,430,517, A>G on the plus strand (T>C on the coding strand, the complement: SCARF2 is on the minus strand). VCF-style: chr22-20430517-A-G. GRCh37 (hg19) VCF-style: chr22-20784804-A-G.
Other names: c.1114T>C, p.Cys372Arg (NM_153334.7); short protein forms C372R.
Identifiers: ClinVar variation 3026707 (VCV003026707.22), dbSNP rs2517425247, ClinGen allele CA410743717.

ClinVar aggregate classification (germline): Uncertain significance (1 of 4 stars; one submission).

Submission:

CeGaT Center for Human Genetics Tuebingen
Classification: Uncertain significance. Last evaluated: 2023-12-01. Review status: criteria provided, single submitter. Criteria: CeGaT Center For Human Genetics Tuebingen Variant Classification Criteria Version 2. Collection method: clinical testing. Allele origin: germline. Affected: yes. Observed: 1 variant allele.
Comment: SCARF2: PM2